The following is an entry in ClinVar:

ClinVar aggregate classification (germline): Pathogenic (1 of 4 stars; one submission).

Conditions:
Septo-optic dysplasia sequence (SOD). Also called: DE MORSIER SYNDROME; Septo-optic dysplasia. Identifiers: Orphanet 3157, MedGen C0338503, MONDO:0008428, OMIM 182230, HP:0100842.
GROWTH HORMONE DEFICIENCY WITH PITUITARY ANOMALIES. Identifiers: MedGen C2750027, OMIM 182230.

Submission:

Labcorp Genetics (formerly Invitae), Labcorp
Classification: Pathogenic for GROWTH HORMONE DEFICIENCY WITH PITUITARY ANOMALIES; Septo-optic dysplasia sequence. Last evaluated: 2022-02-08. Review status: criteria provided, single submitter. Criteria: Invitae Variant Classification Sherloc (09022015). Collection method: clinical testing. Allele origin: germline.
Comment: For these reasons, this variant has been classified as Pathogenic. This variant has not been reported in the literature in individuals affected with HESX1-related conditions. This variant is not present in population databases (gnomAD no frequency). This sequence change creates a premature translational stop signal (p.Glu81*) in the HESX1 gene. It is expected to result in an absent or disrupted protein product. Loss-of-function variants in HESX1 are known to be pathogenic (PMID: 9620767, 16940453, 21270112).

Literature cited by the submitters: PubMed 9620767; PubMed 16940453; PubMed 21270112.

NM_003865.3(HESX1):c.241G>T (p.Glu81Ter)

Gene: HESX1 (HESX homeobox 1; minus strand). Cytogenetic location: 3p14.3.
Variant type: single nucleotide variant.
Coding change: c.241G>T on transcript NM_003865.3 (MANE Select); coding-DNA position 241, G replaced by T.
Protein change: p.Glu81Ter; replaces glutamic acid 81 with a stop codon.
Molecular consequence: nonsense.
Genome position (GRCh38, 1-based): chr3:57,198,869, C>A on the plus strand (G>T on the coding strand, the complement: HESX1 is on the minus strand). VCF-style: chr3-57198869-C-A. GRCh37 (hg19) VCF-style: chr3-57232897-C-A.
Other names: c.241G>T, p.Glu81Ter (NM_001376058.1, NM_001376059.1, NM_001376060.1 and 1 more transcripts); short protein forms E81*.
Identifiers: ClinVar variation 2094701 (VCV002094701.4), dbSNP rs745873579, ClinGen allele CA353401361.
Genomic context (GRCh38, chr3:57,198,869, plus strand): 5'-TTTTCAAAGACAGTCTTTCTGAGGCTGAAAAGTAATTTTCATATTTCGAAGCTCTTTCTT[C>A]TGGCATTGGGTGATCCACCACGCTAGGGAATGAAATCCCACTGGGAGGATTTGGGACATG-3'